The following is an entry in ClinVar:

NM_005477.3(HCN4):c.3452C>T (p.Thr1151Ile)

Gene: HCN4 (hyperpolarization activated cyclic nucleotide gated potassium channel 4; minus strand). Cytogenetic location: 15q24.1.
Variant type: single nucleotide variant.
Coding change: c.3452C>T on transcript NM_005477.3 (MANE Select); coding-DNA position 3452, C replaced by T.
Protein change: p.Thr1151Ile; replaces threonine 1151 with isoleucine.
Molecular consequence: missense variant.
Genome position (GRCh38, 1-based): chr15:73,322,641, G>A on the plus strand (C>T on the coding strand, the complement: HCN4 is on the minus strand). VCF-style: chr15-73322641-G-A. GRCh37 (hg19) VCF-style: chr15-73614982-G-A.
Other names: short protein forms T1151I.
Identifiers: ClinVar variation 849472 (VCV000849472.10), dbSNP rs2042867531, ClinGen allele CA393085258.

ClinVar aggregate classification (germline): Uncertain significance. Review status: criteria provided, multiple submitters, no conflicts (2 of 4 stars). 2 submissions from 2 submitters: Uncertain significance (2). Last evaluated 2023-09-21.

Conditions:
Brugada syndrome 8 (BRGDA8). Identifiers: Orphanet 130, MedGen C2751083, MONDO:0013148, OMIM 613123.

gnomAD v4.1: 4 of 1,610,862 alleles (0.00025%); highest among the groups gnomAD compares: Non-Finnish European, 0.00034%; no homozygotes.

Submissions (2):

Labcorp Genetics (formerly Invitae), Labcorp
Classification: Uncertain significance for Brugada syndrome 8. Last evaluated: 2023-09-21. Review status: criteria provided, single submitter. Criteria: Invitae Variant Classification Sherloc (09022015). Collection method: clinical testing. Allele origin: germline.
Comment: In summary, the available evidence is currently insufficient to determine the role of this variant in disease. Therefore, it has been classified as a Variant of Uncertain Significance. Advanced modeling of protein sequence and biophysical properties (such as structural, functional, and spatial information, amino acid conservation, physicochemical variation, residue mobility, and thermodynamic stability) performed at Invitae indicates that this missense variant is not expected to disrupt HCN4 protein function. ClinVar contains an entry for this variant (Variation ID: 849472). This variant has not been reported in the literature in individuals affected with HCN4-related conditions. This variant is not present in population databases (gnomAD no frequency). This sequence change replaces threonine, which is neutral and polar, with isoleucine, which is neutral and non-polar, at codon 1151 of the HCN4 protein (p.Thr1151Ile).

Blueprint Genetics
Classification: Uncertain significance. Last evaluated: 2021-03-22. Review status: criteria provided, single submitter. Criteria: ACMG Guidelines, 2015. Collection method: clinical testing. Allele origin: germline.